The following is an entry in ClinVar:

NM_024652.6(LRRK1):c.3958G>A (p.Val1320Met)

Genes: LRRK1 (leucine rich repeat kinase 1; plus strand), LRRK1-AS1 (LRRK1 antisense RNA 1; minus strand). Cytogenetic location: 15q26.3.
Variant type: single nucleotide variant.
Coding change: c.3958G>A on transcript NM_024652.6 (MANE Select); coding-DNA position 3958, G replaced by A.
Protein change: p.Val1320Met; replaces valine 1320 with methionine.
Molecular consequence: missense variant.
Genome position (GRCh38, 1-based): chr15:101,053,324, G>A. VCF-style: chr15-101053324-G-A. GRCh37 (hg19) VCF-style: chr15-101593529-G-A.
Other names: short protein forms V1320M.
Identifiers: ClinVar variation 2080342 (VCV002080342.4), dbSNP rs564762598, ClinGen allele CA7761696.

ClinVar aggregate classification (germline): Uncertain significance (1 of 4 stars; one submission).

Allele frequency attached by ClinVar (database versions not stated): gnomAD exomes 0.00001; ExAC 0.00004; gnomAD 0.00004; 1000 Genomes Project 30x 0.00016; 1000 Genomes Project 0.00020.
gnomAD v4.1: 20 of 1,604,880 alleles (0.0012%); highest among the groups gnomAD compares: African/African-American, 0.013%; no homozygotes.

Submission:

Labcorp Genetics (formerly Invitae), Labcorp
Classification: Uncertain significance. Last evaluated: 2025-02-04. Review status: criteria provided, single submitter. Criteria: Invitae Variant Classification Sherloc (09022015). Collection method: clinical testing. Allele origin: germline.
Comment: This sequence change replaces valine, which is neutral and non-polar, with methionine, which is neutral and non-polar, at codon 1320 of the LRRK1 protein (p.Val1320Met). This variant is present in population databases (rs564762598, gnomAD 0.01%). This variant has not been reported in the literature in individuals affected with LRRK1-related conditions. ClinVar contains an entry for this variant (Variation ID: 2080342). An algorithm developed to predict the effect of missense changes on protein structure and function (PolyPhen-2) suggests that this variant is likely to be disruptive. In summary, the available evidence is currently insufficient to determine the role of this variant in disease. Therefore, it has been classified as a Variant of Uncertain Significance.